The following is an entry in ClinVar:

NM_005219.5(DIAPH1):c.3273+6C>G

Gene: DIAPH1 (diaphanous related formin 1; minus strand). Cytogenetic location: 5q31.3.
Variant type: single nucleotide variant.
Coding change: c.3273+6C>G on transcript NM_005219.5 (MANE Select); 6 bases into the intron after coding-DNA position 3273, C replaced by G.
Molecular consequence: intron variant.
Genome position (GRCh38, 1-based): chr5:141,527,567, G>C on the plus strand (C>G on the coding strand, the complement: DIAPH1 is on the minus strand). VCF-style: chr5-141527567-G-C. GRCh37 (hg19) VCF-style: chr5-140907134-G-C.
Other names: p.?; c.3246+6C>G (NM_001079812.3); c.3273+6C>G (NM_001314007.2).
Identifiers: ClinVar variation 3379603 (VCV003379603.1).
Genomic context (GRCh38, chr5:141,527,567, plus strand): 5'-TCCCCCACTACAGGAAGTTTTCTTTCCCTTCCTAGGGAACAACTCCCTCCTTTCAAGAGA[G>C]GATATGGTCATTTTTTCAACAAACTTGTCTTTTTCATCTGTGGCAGCTGGGAAATTCTGA-3'

ClinVar aggregate classification (germline): Uncertain significance (1 of 4 stars; one submission).

Submission:

Mayo Clinic Laboratories, Mayo Clinic
Classification: Uncertain significance. Last evaluated: 2024-07-26. Review status: criteria provided, single submitter. Criteria: ACMG Guidelines, 2015. Collection method: clinical testing. Allele origin: germline. Observed: 1 variant allele.
Comment: PM2_moderate